The following is an entry in ClinVar:

NM_001410957.1(ERMARD):c.583-1437AAGT[2]

Gene: ERMARD (ER membrane associated RNA degradation; plus strand). Cytogenetic location: 6q27.
Variant type: Microsatellite.
Coding change: c.583-1437AAGT[2] on transcript NM_001410957.1; two copies in a row of the 4-base unit AAGT starting at c.583-1437.
Molecular consequence: intron variant.
Genome position: GRCh38 VCF-style: chr6-169766665-CAAGT-C. GRCh37 (hg19) VCF-style: chr6-170166761-CAAGT-C.
Identifiers: ClinVar variation 4763976 (VCV004763976.1).

ClinVar aggregate classification (germline): Uncertain significance (1 of 4 stars; one submission).

Submission:

Labcorp Genetics (formerly Invitae), Labcorp
Classification: Uncertain significance. Last evaluated: 2025-10-29. Review status: criteria provided, single submitter. Criteria: Invitae Variant Classification Sherloc (09022015). Collection method: clinical testing. Allele origin: germline.
Comment: This sequence change falls in intron 10 of the ERMARD gene. It does not directly change the encoded amino acid sequence of the ERMARD protein. The frequency data for this variant in the population databases is considered unreliable, as metrics indicate poor data quality at this position in the gnomAD database. This variant has not been reported in the literature in individuals affected with ERMARD-related conditions. Algorithms developed to predict the effect of sequence changes on RNA splicing suggest that this variant may disrupt the consensus splice site. In summary, the available evidence is currently insufficient to determine the role of this variant in disease. Therefore, it has been classified as a Variant of Uncertain Significance.